The following is an entry in ClinVar:

ClinVar aggregate classification (germline): Uncertain significance (1 of 4 stars; one submission).

Conditions:
Cardiovascular phenotype. Identifiers: MedGen CN230736.

Submission:

Ambry Genetics
Classification: Uncertain significance for Cardiovascular phenotype. Last evaluated: 2026-05-28. Review status: criteria provided, single submitter. Criteria: Ambry Variant Classification Scheme 2023. Collection method: clinical testing. Allele origin: germline.
Comment: The p.T1411I variant (also known as c.4232C>T), located in coding exon 50 of the COL1A1 gene, results from a C to T substitution at nucleotide position 4232. The threonine at codon 1411 is replaced by isoleucine, an amino acid with similar properties. This amino acid position is conserved. In addition, this alteration is predicted to be tolerated by in silico analysis. Based on the available evidence, the clinical significance of this variant remains unclear.

NM_000088.4(COL1A1):c.4232C>T (p.Thr1411Ile)

Gene: COL1A1 (collagen type I alpha 1 chain; minus strand). Cytogenetic location: 17q21.33.
Variant type: single nucleotide variant.
Coding change: c.4232C>T on transcript NM_000088.4 (MANE Select); coding-DNA position 4232, C replaced by T.
Protein change: p.Thr1411Ile; replaces threonine 1411 with isoleucine.
Molecular consequence: missense variant.
Genome position (GRCh38, 1-based): chr17:50,185,794, G>A on the plus strand (C>T on the coding strand, the complement: COL1A1 is on the minus strand). VCF-style: chr17-50185794-G-A. GRCh37 (hg19) VCF-style: chr17-48263155-G-A.
Other names: short protein forms T1411I.
Identifiers: ClinVar variation 4869116 (VCV004869116.1).
Genomic context (GRCh38, chr17:50,185,794, plus strand): 5'-AGGCCGGAGAGGTGGGGCCCTGCCTGGGGATTCTGGGCACTCACCGTGCAGCCATCGACA[G>A]TGACGCTGTAGGTGAAGCGGCTGTTGCCCTCGGCGCGGATCTCGATCTCGTTGGAGCCCT-3'
Protein context (NP_000079.2, residues 1401-1421): EGNSRFTYSV[Thr1411Ile]VDGCTSHTGA